The following is an entry in ClinVar:

ClinVar aggregate classification (germline): Uncertain significance. Review status: criteria provided, multiple submitters, no conflicts (2 of 4 stars). 2 submissions from 2 submitters: Uncertain significance (2). Last evaluated 2025-04-14.

Conditions:
Cardiovascular phenotype. Identifiers: MedGen CN230736.

Allele frequency attached by ClinVar (database versions not stated): TOPMed 0.00001; gnomAD exomes below 0.00001.

Submissions (2):

Women's Health and Genetics/Laboratory Corporation of America, LabCorp
Classification: Uncertain significance. Last evaluated: 2025-04-14. Review status: criteria provided, single submitter. Criteria: LabCorp Variant Classification Summary - May 2015. Collection method: clinical testing. Allele origin: germline.

Ambry Genetics
Classification: Uncertain significance for Cardiovascular phenotype. Last evaluated: 2020-01-07. Review status: criteria provided, single submitter. Criteria: Ambry Variant Classification Scheme 2023. Collection method: clinical testing. Allele origin: germline.
Comment: The p.N690K variant (also known as c.2070C>A), located in coding exon 17 of the ACTN2 gene, results from a C to A substitution at nucleotide position 2070. The asparagine at codon 690 is replaced by lysine, an amino acid with similar properties. This amino acid position is not well conserved in available vertebrate species. In addition, this alteration is predicted to be tolerated by in silico analysis. Since supporting evidence is limited at this time, the clinical significance of this alteration remains unclear.

NM_001103.4(ACTN2):c.2070C>A (p.Asn690Lys)

Gene: ACTN2 (actinin alpha 2; plus strand). Cytogenetic location: 1q43.
Variant type: single nucleotide variant.
Coding change: c.2070C>A on transcript NM_001103.4 (MANE Select); coding-DNA position 2070, C replaced by A.
Protein change: p.Asn690Lys; replaces asparagine 690 with lysine.
Molecular consequence: missense variant.
Genome position (GRCh38, 1-based): chr1:236,755,114, C>A. VCF-style: chr1-236755114-C-A. GRCh37 (hg19) VCF-style: chr1-236918414-C-A.
Other names: c.2070C>A, p.Asn690Lys (NM_001278343.2); c.1446C>A, p.Asn482Lys (NM_001278344.2); c.1320C>A, p.Asn440Lys (NM_001412150.1); short protein forms N440K, N482K, N690K.
Identifiers: ClinVar variation 1785383 (VCV001785383.4), dbSNP rs1659515047, ClinGen allele CA345387596.